The following is an entry in ClinVar:

ClinVar aggregate classification (germline): Pathogenic. Review status: reviewed by expert panel (3 of 4 stars). 2 submissions from 2 submitters: Pathogenic (1). 1 of the submissions does not count toward it. Last evaluated 2025-06-23.

Conditions:
Mucopolysaccharidosis type 1. Also called: IDUA deficiency; MPS I; Mucopolysaccharidosis Type I. Identifiers: Orphanet 579, MedGen C0023786, MONDO:0001586.

Submissions (2):

ClinGen Lysosomal Storage Disorder Variant Curation Expert Panel
Classification: Pathogenic for Mucopolysaccharidosis type 1. Last evaluated: 2025-06-23. Review status: reviewed by expert panel. Criteria: ClinGen LSD ACMG Specifications IDUA V1.0.0. Collection method: curation. Allele origin: germline. Inheritance: Autosomal recessive inheritance.
Comment: The NM_000203.5:c.65del (p.Pro22ArgfsTer86) variant in IDUA is a frameshift variant predicted to cause a premature stop codon in biologically-relevant-exon 1 out of 14, leading to nonsense-mediated decay in a gene in which loss-of-function is an established disease mechanism (PVS1). This variant has been detected in at least one individual with MPS I (severe, Hurler phenotype) on the basis of enzymology (PMID: 11735025; note that older nomenclature, c.153del is used for the variant, presumably referring to NR_110313.1) (insufficient detail to apply PP4). This individual is compound heterozygous for the variant and another variant in IDUA that has been classified as pathogenic for MPS I by the ClinGen LD VCEP, c.1205G>A (pTrp402Ter) (ClinVar Variation ID: 11908); the phase was not confirmed (PMID: 11735025). Total 0.5 points (PM3_Supporting).The highest population minor allele frequency in gnomAD v4.1.0 is 0.00001537 (1/65052 alleles) in the South Asian population, which is lower than the ClinGen Lysosomal Diseases VCEP’s threshold (<0.00025), meeting this criterion (PM2_Supporting). There is a ClinVar entry for this variant (Variation ID: 929238). In summary, this variant meets the criteria to be classified as pathogenic for MPS I based on the IDUA-specific ACMG/AMP criteria applied, as specified by the ClinGen Lysosomal Diseases Variant Curation Expert Panel (Specifications Version 1.0.0): PVS1, PM2_Supporting, PM3_Supporting. (Classification approved by the ClinGen Lysosomal Diseases Variant Curation Expert Panel on June 23, 2025)

Women's Health and Genetics/Laboratory Corporation of America, LabCorp
Classification: Likely pathogenic for Mucopolysaccharidosis type 1. Last evaluated: 2019-04-30. Review status: criteria provided, single submitter. Criteria: LabCorp Variant Classification Summary - May 2015. Collection method: clinical testing. Allele origin: germline. Not counted in ClinVar's aggregate classification.
Comment: Variant summary: IDUA c.65delC (p.Pro22ArgfsX86) results in a premature termination codon, predicted to cause a truncation of the encoded protein or absence of the protein due to nonsense mediated decay, which are commonly known mechanisms for disease. Truncations downstream of this position have been classified as pathogenic by our laboratory (c.876delC, p.Asp292fsX25; c.1205G>A, p.Trp402X; c.1799delC, p.Ser600X). The variant allele was found at a frequency of 6.3e-05 in 47278 control chromosomes (gnomAD). This variant has been reported in the literature in individuals affected with Mucopolysaccharidosis Type 1 (Beesley_2001). These data do not allow any conclusion about variant significance. To our knowledge, no experimental evidence demonstrating an impact on protein function has been reported. No clinical diagnostic laboratories have submitted clinical-significance assessments for this variant to ClinVar after 2014. Based on the evidence outlined above, the variant was classified as likely pathogenic.

Literature cited by the submitters: PubMed 11735025 (cited by Women's Health and Genetics/Laboratory Corporation of America, LabCorp).

NM_000203.5(IDUA):c.65del (p.Pro22fs)

Genes: IDUA (alpha-L-iduronidase; plus strand), SLC26A1 (solute carrier family 26 member 1; minus strand). Cytogenetic location: 4p16.3.
Variant type: Deletion.
Coding change: c.65del on transcript NM_000203.5 (MANE Select); coding-DNA position 65, one base deleted (C; older notation c.65delC).
Protein change: p.Pro22fs; shifts the reading frame from proline 22.
Molecular consequence: frameshift variant. On other transcripts: non-coding transcript variant (1), intron variant (1).
Genome position (GRCh38, 1-based): chr4:987,149, C deleted; the last of 5 consecutive C bases (chr4:987,145-987,149); deleting any one gives the same sequence. VCF-style (leftmost placement, unchanged base first): chr4-987144-GC-G. GRCh37 (hg19) VCF-style: chr4-980932-GC-G.
Other names: NM_000203.5(IDUA):c.65del; p.Pro22fs; c.576+3983del (NM_134425.4); short protein forms P22fs.
Identifiers: ClinVar variation 929238 (VCV000929238.3), dbSNP rs1560531755, ClinGen allele CA437911597.